The following is an entry in ClinVar:

NM_006031.6(PCNT):c.5150T>C (p.Leu1717Pro)

Gene: PCNT (pericentrin; plus strand). Cytogenetic location: 21q22.3.
Variant type: single nucleotide variant.
Coding change: c.5150T>C on transcript NM_006031.6 (MANE Select); coding-DNA position 5150, T replaced by C.
Protein change: p.Leu1717Pro; replaces leucine 1717 with proline.
Molecular consequence: missense variant.
Genome position (GRCh38, 1-based): chr21:46,411,223, T>C. VCF-style: chr21-46411223-T-C. GRCh37 (hg19) VCF-style: chr21-47831137-T-C.
Other names: c.4796T>C, p.Leu1599Pro (NM_001315529.2); short protein forms L1599P, L1717P.
Identifiers: ClinVar variation 3356841 (VCV003356841.1).

ClinVar aggregate classification (germline): Uncertain significance (0 of 4 stars; one submission).

Conditions:
PCNT-related disorder. Also called: PCNT-related condition.

gnomAD v4.1: 9 of 1,614,034 alleles (0.00056%); highest among the groups gnomAD compares: East Asian, 0.0022%; no homozygotes.

Submission:

PreventionGenetics, part of Exact Sciences
Classification: Uncertain significance for PCNT-related condition. Last evaluated: 2024-07-01. Review status: no assertion criteria provided. Collection method: clinical testing. Allele origin: germline.
Comment: The PCNT c.5150T>C variant is predicted to result in the amino acid substitution p.Leu1717Pro. To our knowledge, this variant has not been reported in the literature. This variant is reported in 0.0050% of alleles in individuals of East Asian descent in gnomAD. At this time, the clinical significance of this variant is uncertain due to the absence of conclusive functional and genetic evidence.